The following is an entry in ClinVar:

ClinVar aggregate classification (germline): Uncertain significance (1 of 4 stars; one submission).

Conditions:
Emery-Dreifuss muscular dystrophy 5, autosomal dominant (EDMD5). Also called: EMERY-DREIFUSS MUSCULAR DYSTROPHY 5. Identifiers: Orphanet 261, MedGen C2751805, MONDO:0013072, OMIM 612999.

Allele frequency attached by ClinVar (database versions not stated): gnomAD exomes below 0.00001 and 0.00001; ExAC 0.00001; gnomAD 0.00001; TOPMed 0.00002.
gnomAD v4.1: 9 of 1,614,012 alleles (0.00056%); highest among the groups gnomAD compares: Non-Finnish European, 0.00076%; no homozygotes.

Submission:

Labcorp Genetics (formerly Invitae), Labcorp
Classification: Uncertain significance for Emery-Dreifuss muscular dystrophy 5, autosomal dominant. Last evaluated: 2019-06-22. Review status: criteria provided, single submitter. Criteria: Invitae Variant Classification Sherloc (09022015). Collection method: clinical testing. Allele origin: germline.
Comment: In summary, the available evidence is currently insufficient to determine the role of this variant in disease. Therefore, it has been classified as a Variant of Uncertain Significance. Algorithms developed to predict the effect of missense changes on protein structure and function are either unavailable or do not agree on the potential impact of this missense change (SIFT: "Tolerated"; PolyPhen-2: "Possibly Damaging"; Align-GVGD: "Class C0"). This variant has not been reported in the literature in individuals with SYNE2-related conditions. This variant is present in population databases (rs765665332, ExAC 0.002%). This sequence change replaces histidine with tyrosine at codon 1376 of the SYNE2 protein (p.His1376Tyr). The histidine residue is weakly conserved and there is a moderate physicochemical difference between histidine and tyrosine.

NM_182914.3(SYNE2):c.4126C>T (p.His1376Tyr)

Gene: SYNE2 (spectrin repeat containing nuclear envelope protein 2; plus strand). Cytogenetic location: 14q23.2.
Variant type: single nucleotide variant.
Coding change: c.4126C>T on transcript NM_182914.3 (MANE Select); coding-DNA position 4126, C replaced by T.
Protein change: p.His1376Tyr; replaces histidine 1376 with tyrosine.
Molecular consequence: missense variant.
Genome position (GRCh38, 1-based): chr14:64,003,059, C>T. VCF-style: chr14-64003059-C-T. GRCh37 (hg19) VCF-style: chr14-64469777-C-T.
Other names: c.4126C>T, p.His1376Tyr (NM_015180.6); short protein forms H1376Y.
Identifiers: ClinVar variation 646745 (VCV000646745.10), dbSNP rs765665332, ClinGen allele CA7220138.